The following is an entry in ClinVar:

NM_004174.4(SLC9A3):c.1153G>A (p.Gly385Ser)

Gene: SLC9A3 (solute carrier family 9 member A3). Cytogenetic location: 5p15.33.
Variant type: single nucleotide variant.
Coding change: c.1153G>A on transcript NM_004174.4 (MANE Select); coding-DNA position 1153, G replaced by A.
Protein change: p.Gly385Ser; replaces glycine 385 with serine.
Molecular consequence: missense variant.
Genome position (GRCh38, 1-based): chr5:483,262, C>T on the plus strand (G>A on the coding strand, the complement: SLC9A3 is on the minus strand). VCF-style: chr5-483262-C-T. GRCh37 (hg19) VCF-style: chr5-483377-C-T.
Other names: c.1153G>A, p.Gly385Ser (NM_001284351.3); short protein forms G385S.
Identifiers: ClinVar variation 1404756 (VCV001404756.6), dbSNP rs985101377, ClinGen allele CA112846513.

ClinVar aggregate classification (germline): Uncertain significance (1 of 4 stars; one submission).

Allele frequency attached by ClinVar (database versions not stated): gnomAD exomes below 0.00001; TOPMed below 0.00001.
gnomAD v4.1: 6 of 1,540,734 alleles (0.00039%); highest among the groups gnomAD compares: East Asian, 0.0025%; no homozygotes.

Submission:

Labcorp Genetics (formerly Invitae), Labcorp
Classification: Uncertain significance. Last evaluated: 2022-09-12. Review status: criteria provided, single submitter. Criteria: Invitae Variant Classification Sherloc (09022015). Collection method: clinical testing. Allele origin: germline.
Comment: This missense change has been observed in individual(s) with congenital sodium diarrhea (PMID: 26358773). ClinVar contains an entry for this variant (Variation ID: 1404756). Algorithms developed to predict the effect of missense changes on protein structure and function are either unavailable or do not agree on the potential impact of this missense change (SIFT: "Not Available"; PolyPhen-2: "Probably Damaging"; Align-GVGD: "Not Available"). This sequence change replaces glycine with serine at codon 385 of the SLC9A3 protein (p.Gly385Ser). The glycine residue is moderately conserved and there is a small physicochemical difference between glycine and serine. This variant also falls at the last nucleotide of exon 6, which is part of the consensus splice site for this exon. This variant is not present in population databases (gnomAD no frequency). Variants that disrupt the consensus splice site are a relatively common cause of aberrant splicing (PMID: 17576681, 9536098). Algorithms developed to predict the effect of sequence changes on RNA splicing suggest that this variant may disrupt the consensus splice site. In summary, the available evidence is currently insufficient to determine the role of this variant in disease. Therefore, it has been classified as a Variant of Uncertain Significance.

Literature cited by the submitters: PubMed 26358773; PubMed 17576681; PubMed 9536098.